The following is an entry in ClinVar:

NM_000057.4(BLM):c.3212A>G (p.Asp1071Gly)

Gene: BLM (BLM RecQ like helicase; plus strand). Cytogenetic location: 15q26.1.
Variant type: single nucleotide variant.
Coding change: c.3212A>G on transcript NM_000057.4 (MANE Select); coding-DNA position 3212, A replaced by G.
Protein change: p.Asp1071Gly; replaces aspartic acid 1071 with glycine.
Molecular consequence: missense variant.
Genome position (GRCh38, 1-based): chr15:90,798,191, A>G. VCF-style: chr15-90798191-A-G. GRCh37 (hg19) VCF-style: chr15-91341421-A-G.
Other names: c.3212A>G (NM_000057.2); c.3212A>G, p.Asp1071Gly (NM_001287246.2, NM_001287247.2); c.2087A>G, p.Asp696Gly (NM_001287248.2); short protein forms D696G, D1071G.
Identifiers: ClinVar variation 1465736 (VCV001465736.10), dbSNP rs1897075069, ClinGen allele CA393847102.

ClinVar aggregate classification (germline): Uncertain significance. Review status: criteria provided, multiple submitters, no conflicts (2 of 4 stars). 2 submissions from 2 submitters: Uncertain significance (2). Last evaluated 2024-09-19.

Conditions:
Bloom syndrome (BLM). Also called: Bloom-Torre-Machacek syndrome. Identifiers: Orphanet 125, MedGen C0005859, MONDO:0008876, OMIM 210900.
Hereditary cancer-predisposing syndrome. Also called: Tumor predisposition; Hereditary neoplastic syndrome; Hereditary Cancer Syndrome; Neoplastic Syndromes, Hereditary. Identifiers: Orphanet 140162, MedGen C0027672, MeSH D009386, MONDO:0015356.

Allele frequency attached by ClinVar (database versions not stated): TOPMed below 0.00001.

Submissions (2):

Labcorp Genetics (formerly Invitae), Labcorp
Classification: Uncertain significance for Bloom syndrome. Last evaluated: 2024-09-19. Review status: criteria provided, single submitter. Criteria: Invitae Variant Classification Sherloc (09022015). Collection method: clinical testing. Allele origin: germline.
Comment: This sequence change replaces aspartic acid, which is acidic and polar, with glycine, which is neutral and non-polar, at codon 1071 of the BLM protein (p.Asp1071Gly). This variant is not present in population databases (gnomAD no frequency). This variant has not been reported in the literature in individuals affected with BLM-related conditions. ClinVar contains an entry for this variant (Variation ID: 1465736). An algorithm developed to predict the effect of missense changes on protein structure and function (PolyPhen-2) suggests that this variant is likely to be tolerated. In summary, the available evidence is currently insufficient to determine the role of this variant in disease. Therefore, it has been classified as a Variant of Uncertain Significance.

Ambry Genetics
Classification: Uncertain significance for Hereditary cancer-predisposing syndrome. Last evaluated: 2023-01-05. Review status: criteria provided, single submitter. Criteria: Ambry Variant Classification Scheme 2023. Collection method: clinical testing. Allele origin: germline.
Comment: The p.D1071G variant (also known as c.3212A>G), located in coding exon 16 of the BLM gene, results from an A to G substitution at nucleotide position 3212. The aspartic acid at codon 1071 is replaced by glycine, an amino acid with similar properties. This amino acid position is conserved. In addition, the in silico prediction for this alteration is inconclusive. Since supporting evidence is limited at this time, the clinical significance of this alteration remains unclear.